The following is an entry in ClinVar:

ClinVar aggregate classification (germline): Pathogenic (1 of 4 stars; one submission).

Submission:

GeneDx
Classification: Pathogenic. Last evaluated: 2015-04-07. Review status: criteria provided, single submitter. Criteria: GeneDx Variant Classification (06012015). Collection method: clinical testing. Allele origin: germline. Affected: yes.
Comment: Although the c.2003_2007dupGCCAG variant in the FBN1 gene has not been reported to our knowledge,this duplication causes a shift in reading frame starting at codon Cysteine 670, changing it to an Alanine, and creating a premature stop codon at position 50 of the new reading frame, denoted p.Cys670AlafsX50. This variant is expected to result in either an abnormal, truncated protein product or loss of protein from thisallele through nonsense-mediated mRNA decay. Other frameshift variants in the FBN1 gene have beenreported in HGMD in association with Marfan syndrome (Stenson P et al., 2014). In summary, c.2003_2007dupGCCAG in the FBN1 gene is interpreted as a pathogenic variant.

NM_000138.5(FBN1):c.2003_2007dup (p.Cys670fs)

Gene: FBN1 (fibrillin 1; minus strand). Cytogenetic location: 15q21.1.
Variant type: Duplication.
Coding change: c.2003_2007dup on transcript NM_000138.5 (MANE Select); coding-DNA positions 2003 to 2007, 5 bases duplicated (GCCAG; older notation c.2003_2007dupGCCAG).
Protein change: p.Cys670fs; shifts the reading frame from cysteine 670.
Molecular consequence: frameshift variant.
Genome position (GRCh38, 1-based): chr15:48,503,893-48,503,897, CTGGC duplicated on the plus strand (GCCAG on the coding strand, the reverse complement: FBN1 is on the minus strand); duplicating any 5 consecutive bases within chr15:48,503,893-48,503,899 gives the same sequence; the c. name uses the placement nearest the transcript's 3' end. VCF-style (leftmost placement, unchanged base first): chr15-48503892-A-ACTGGC. GRCh37 (hg19) VCF-style: chr15-48796089-A-ACTGGC.
Other names: c.2003_2007dupGCCAG (NM_000138.4); short protein forms C670fs.
Identifiers: ClinVar variation 418751 (VCV000418751.2), dbSNP rs1555399769, ClinGen allele CA16619972.